The following is an entry in ClinVar:

ClinVar aggregate classification (germline): Uncertain significance (1 of 4 stars; one submission).

Conditions:
Autosomal dominant nocturnal frontal lobe epilepsy 5. Also called: KCNT1-Related Epilepsy; CILIARY DYSKINESIA, PRIMARY, 28, WITHOUT SITUS INVERSUS; CILIARY DYSKINESIA, PRIMARY, 28, WITH SITUS INVERSUS; Epilepsy, nocturnal frontal lobe, 5. Identifiers: Orphanet 98784, MedGen C3554306, MONDO:0014002, OMIM 615005.
Developmental and epileptic encephalopathy, 14 (DEE14). Also called: Early infantile epileptic encephalopathy 14. Identifiers: Orphanet 293181, MedGen C3554195, MONDO:0013989, OMIM 614959.

gnomAD v4.1: 1 of 1,599,658 alleles (0.000063%); no homozygotes.

Submission:

Labcorp Genetics (formerly Invitae), Labcorp
Classification: Uncertain significance for Autosomal dominant nocturnal frontal lobe epilepsy 5; Developmental and epileptic encephalopathy, 14. Last evaluated: 2018-06-18. Review status: criteria provided, single submitter. Criteria: Invitae Variant Classification Sherloc (09022015). Collection method: clinical testing. Allele origin: germline.
Comment: The current clinical and genetic evidence is not sufficient to establish whether loss-of-function variants in KCNT1 cause disease. In summary, the available evidence is currently insufficient to determine the role of this variant in disease. Therefore, it has been classified as a Variant of Uncertain Significance. Algorithms developed to predict the effect of sequence changes on RNA splicing suggest that this variant may disrupt the consensus splice site, but this prediction has not been confirmed by published transcriptional studies. This sequence change affects a donor splice site in intron 11 of the KCNT1 gene. It is expected to disrupt RNA splicing and likely results in an absent or disrupted protein product. This variant is not present in population databases (ExAC no frequency). This variant has not been reported in the literature in individuals with KCNT1-related disease.

NM_020822.3(KCNT1):c.1035+1G>A

Gene: KCNT1 (potassium sodium-activated channel subfamily T member 1; plus strand). Cytogenetic location: 9q34.3.
Variant type: single nucleotide variant.
Coding change: c.1035+1G>A on transcript NM_020822.3 (MANE Select); the canonical splice donor site of the intron after coding-DNA position 1035, G replaced by A.
Molecular consequence: splice donor variant.
Genome position (GRCh38, 1-based): chr9:135,759,860, G>A. VCF-style: chr9-135759860-G-A. GRCh37 (hg19) VCF-style: chr9-138651706-G-A.
Other names: c.900+1G>A (NM_001272003.2).
Identifiers: ClinVar variation 1020307 (VCV001020307.7), dbSNP rs778538243, ClinGen allele CA375498735.